The following is an entry in ClinVar:

NM_002850.4(PTPRS):c.1849+10T>C

Gene: PTPRS (protein tyrosine phosphatase receptor type S; minus strand). Cytogenetic location: 19p13.3.
Variant type: single nucleotide variant.
Coding change: c.1849+10T>C on transcript NM_002850.4 (MANE Select); 10 bases into the intron after coding-DNA position 1849, T replaced by C.
Molecular consequence: intron variant.
Genome position (GRCh38, 1-based): chr19:5,238,909, A>G on the plus strand (T>C on the coding strand, the complement: PTPRS is on the minus strand). VCF-style: chr19-5238909-A-G. GRCh37 (hg19) VCF-style: chr19-5238920-A-G.
Other names: c.1810+10T>C (NM_130853.3, NM_001394013.1, NM_130854.3 and 2 more transcripts); c.1822+10T>C (NM_130855.3).
Identifiers: ClinVar variation 4996150 (VCV004996150.1).

ClinVar aggregate classification (germline): Likely benign (1 of 4 stars; one submission).

Conditions:
PTPRS-related disorder. Also called: PTPRS-related condition.

gnomAD v4.1: 7 of 1,578,274 alleles (0.00044%); highest among the groups gnomAD compares: African/African-American, 0.0028%; no homozygotes.

Submission:

PreventionGenetics, part of Exact Sciences
Classification: Likely benign for PTPRS-related condition. Last evaluated: 2026-04-19. Review status: criteria provided, single submitter. Criteria: ACMG Guidelines, 2015. Collection method: clinical testing. Allele origin: germline.
Comment: This variant is classified as likely benign based on ACMG/AMP sequence variant interpretation guidelines (Richards et al. 2015 PMID: 25741868, with internal and published modifications).